The following is an entry in ClinVar:

NM_032119.4(ADGRV1):c.12314A>G (p.His4105Arg)

Gene: ADGRV1 (adhesion G protein-coupled receptor V1; plus strand). Cytogenetic location: 5q14.3.
Variant type: single nucleotide variant.
Coding change: c.12314A>G on transcript NM_032119.4 (MANE Select); coding-DNA position 12314, A replaced by G.
Protein change: p.His4105Arg; replaces histidine 4105 with arginine.
Molecular consequence: missense variant. On other transcripts: non-coding transcript variant (1).
Genome position (GRCh38, 1-based): chr5:90,774,214, A>G. VCF-style: chr5-90774214-A-G. GRCh37 (hg19) VCF-style: chr5-90070031-A-G.
Other names: short protein forms H4105R.
Identifiers: ClinVar variation 969034 (VCV000969034.8), dbSNP rs1166757954, ClinGen allele CA360383477.

ClinVar aggregate classification (germline): Uncertain significance. Review status: criteria provided, multiple submitters, no conflicts (2 of 4 stars). 2 submissions from 2 submitters: Uncertain significance (2). Last evaluated 2022-02-24.

Allele frequency attached by ClinVar (database versions not stated): gnomAD exomes below 0.00001; gnomAD 0.00001.
gnomAD v4.1: 2 of 1,609,476 alleles (0.00012%); highest among the groups gnomAD compares: Admixed American, 0.0033%; no homozygotes.

Submissions (2):

Labcorp Genetics (formerly Invitae), Labcorp
Classification: Uncertain significance. Last evaluated: 2022-02-24. Review status: criteria provided, single submitter. Criteria: Invitae Variant Classification Sherloc (09022015). Collection method: clinical testing. Allele origin: germline.
Comment: This sequence change replaces histidine, which is basic and polar, with arginine, which is basic and polar, at codon 4105 of the ADGRV1 protein (p.His4105Arg). This variant is present in population databases (no rsID available, gnomAD 0.003%). This variant has not been reported in the literature in individuals affected with ADGRV1-related conditions. ClinVar contains an entry for this variant (Variation ID: 969034). Algorithms developed to predict the effect of missense changes on protein structure and function output the following: SIFT: "Tolerated"; PolyPhen-2: "Benign"; Align-GVGD: "Class C0". The arginine amino acid residue is found in multiple mammalian species, which suggests that this missense change does not adversely affect protein function. In summary, the available evidence is currently insufficient to determine the role of this variant in disease. Therefore, it has been classified as a Variant of Uncertain Significance.

Blueprint Genetics
Classification: Uncertain significance. Last evaluated: 2018-04-13. Review status: criteria provided, single submitter. Criteria: ACMG Guidelines, 2015. Collection method: clinical testing. Allele origin: germline.